The following is an entry in ClinVar:

ClinVar aggregate classification (germline): Likely pathogenic (1 of 4 stars; one submission).

Conditions:
Wilson disease (WND). Also called: Wilson's disease. Identifiers: Orphanet 905, MedGen C0019202, MONDO:0010200, OMIM 277900. Disease mechanism: loss of function.

Allele frequency attached by ClinVar (database versions not stated): TOPMed below 0.00001.

Submission:

Labcorp Genetics (formerly Invitae), Labcorp
Classification: Likely pathogenic for Wilson disease. Last evaluated: 2023-09-22. Review status: criteria provided, single submitter. Criteria: Invitae Variant Classification Sherloc (09022015). Collection method: clinical testing. Allele origin: germline.
Comment: This sequence change affects a donor splice site in intron 5 of the ATP7B gene. It is expected to disrupt RNA splicing. Variants that disrupt the donor or acceptor splice site typically lead to a loss of protein function (PMID: 16199547), and loss-of-function variants in ATP7B are known to be pathogenic (PMID: 10441329, 16283883). This variant is not present in population databases (gnomAD no frequency). Disruption of this splice site has been observed in individual(s) with clinical features of Wilson disease (PMID: 21956287). Algorithms developed to predict the effect of sequence changes on RNA splicing suggest that this variant may disrupt the consensus splice site. In summary, the currently available evidence indicates that the variant is pathogenic, but additional data are needed to prove that conclusively. Therefore, this variant has been classified as Likely Pathogenic.

Literature cited by the submitters: PubMed 16199547; PubMed 10441329; PubMed 16283883; PubMed 21956287.

NM_000053.4(ATP7B):c.1869+1G>A

Gene: ATP7B (ATPase copper transporting beta; minus strand). Cytogenetic location: 13q14.3.
Variant type: single nucleotide variant.
Coding change: c.1869+1G>A on transcript NM_000053.4 (MANE Select); the canonical splice donor site of the intron after coding-DNA position 1869, G replaced by A.
Molecular consequence: splice donor variant. On other transcripts: intron variant (3).
Genome position (GRCh38, 1-based): chr13:51,964,871, C>T on the plus strand (G>A on the coding strand, the complement: ATP7B is on the minus strand). VCF-style: chr13-51964871-C-T. GRCh37 (hg19) VCF-style: chr13-52539007-C-T.
Other names: c.1773+1G>A (NM_001406518.1, NM_001406544.1, NM_001406536.1 and 3 more transcripts); c.1440+1G>A (NM_001406539.1); c.1869+1G>A (NM_001406541.1, NM_001406531.1, NM_001406527.1 and 24 more transcripts); c.1536+1G>A (NM_001243182.2); c.1285+9064G>A (NM_001406548.1); c.1836+1G>A (NM_001406524.1, NM_001406514.1); c.1707+3573G>A (NM_001406547.1, NM_001406545.1).
Identifiers: ClinVar variation 2982315 (VCV002982315.3), dbSNP rs1951463905, ClinGen allele CA388029866.
Genomic context (GRCh38, chr13:51,964,871, plus strand): 5'-TCACTGATTATATATTACTGTTTTTAAAAAGGTGACTACAATTTTTTAATGAATTACTTA[C>T]CTCAATAATTTTGATAATATCCCGTGGACCGATAATTTCCGGGTCAAACTTAACAAGGGC-3'